The following is an entry in ClinVar:

NM_007294.4(BRCA1):c.5214A>G (p.Gly1738=)

Gene: BRCA1 (BRCA1 DNA repair associated; minus strand). Cytogenetic location: 17q21.31.
Variant type: single nucleotide variant.
Coding change: c.5214A>G on transcript NM_007294.4 (MANE Select); coding-DNA position 5214, A replaced by G.
Protein change: p.Gly1738=; no amino-acid change (glycine 1738 retained).
Molecular consequence: synonymous variant.
Genome position (GRCh38, 1-based): chr17:43,057,115, T>C on the plus strand (A>G on the coding strand, the complement: BRCA1 is on the minus strand). VCF-style: chr17-43057115-T-C. GRCh37 (hg19) VCF-style: chr17-41209132-T-C.
Other names: c.5211A>G, p.Gly1737= (NM_001407613.1, NM_001407614.1, NM_001407615.1 and 17 more transcripts); c.5208A>G, p.Gly1736= (NM_001407627.1, NM_001407628.1, NM_001407629.1 and 14 more transcripts); c.5205A>G, p.Gly1735= (NM_001407644.1, NM_001407645.1); c.5202A>G, p.Gly1734= (NM_001407646.1); c.5199A>G, p.Gly1733= (NM_001407647.1); c.5157A>G, p.Gly1719= (NM_001407648.1); c.5154A>G, p.Gly1718= (NM_001407649.1); c.5136A>G, p.Gly1712= (NM_001407652.1, NM_001407653.1, NM_001407654.1 and 1 more transcripts); and 72 more.
Identifiers: ClinVar variation 867520 (VCV000867520.3), dbSNP rs2051522491, ClinGen allele CA500144809.

Conditions:
Breast-ovarian cancer, familial, susceptibility to, 1 (BROVCA1). Also called: BRCA1 Hereditary Breast and Ovarian Cancer; OVARIAN CANCER, SUSCEPTIBILITY TO. Identifiers: Orphanet 145, MedGen C2676676, MONDO:0011450, OMIM 604370. Disease mechanism: loss of function.

Submission:

Brotman Baty Institute, University of Washington
No classification provided (evidence only). Condition: Breast-ovarian cancer, familial 1. Review status: no classification provided. Collection method: in vitro. Allele origin: not applicable. Functional consequence: functionally_normal.
ClinVar note: "not provided" was previously submitted as the classification for the variant. However, the classification appeared to be based only on an observation of functional data so it was converted to no classification on 2025-07-30.